The following is an entry in ClinVar:

NM_001096.3(ACLY):c.1765G>A (p.Ala589Thr)

Gene: ACLY (ATP citrate lyase; minus strand). Cytogenetic location: 17q21.2.
Variant type: single nucleotide variant.
Coding change: c.1765G>A on transcript NM_001096.3 (MANE Select); coding-DNA position 1765, G replaced by A.
Protein change: p.Ala589Thr; replaces alanine 589 with threonine.
Molecular consequence: missense variant.
Genome position (GRCh38, 1-based): chr17:41,892,284, C>T on the plus strand (G>A on the coding strand, the complement: ACLY is on the minus strand). VCF-style: chr17-41892284-C-T. GRCh37 (hg19) VCF-style: chr17-40048537-C-T.
Other names: c.1927G>A, p.Ala643Thr (NM_001303274.1); c.1897G>A, p.Ala633Thr (NM_001303275.1); c.1735G>A, p.Ala579Thr (NM_198830.2); short protein forms A589T, A643T, A633T, A579T.
Identifiers: ClinVar variation 64469 (VCV000064469.2), dbSNP rs387907381, ClinGen allele CA216213.

ClinVar aggregate classification (germline): Uncertain significance (0 of 4 stars; one submission).

Allele frequency attached by ClinVar (database versions not stated): TOPMed below 0.00001.

Submission:

Martin Pollak Laboratory,  Beth Israel Deaconess Medical Center
Classification: Uncertain significance. Review status: no assertion criteria provided. Collection method: not provided. Allele origin: unknown.
Comment: Lower UCa2+ group
ClinVar note: Converted during submission from unknown to Uncertain significance.